The following is an entry in ClinVar:

ClinVar aggregate classification (germline): Pathogenic (1 of 4 stars; one submission).

Submission:

GeneDx
Classification: Pathogenic. Last evaluated: 2026-01-27. Review status: criteria provided, single submitter. Criteria: GeneDx Variant Classification Process June 2021. Collection method: clinical testing. Allele origin: germline.
Comment: Canonical splice site variant predicted to result in a null allele in a gene for which loss of function is a known mechanism of disease; Not observed at significant frequency in large population cohorts (gnomAD); Has not been previously published as pathogenic or benign to our knowledge

NM_022455.5(NSD1):c.6463+2T>G

Gene: NSD1 (nuclear receptor binding SET domain protein 1; plus strand). Cytogenetic location: 5q35.3.
Variant type: single nucleotide variant.
Coding change: c.6463+2T>G on transcript NM_022455.5 (MANE Select); the canonical splice donor site of the intron after coding-DNA position 6463, T replaced by G.
Molecular consequence: splice donor variant.
Genome position (GRCh38, 1-based): chr5:177,292,160, T>G. VCF-style: chr5-177292160-T-G. GRCh37 (hg19) VCF-style: chr5-176719161-T-G.
Other names: c.6463+2T>G (NM_001409301.1, NM_001409302.1, NM_001409303.1); c.6043+2T>G (NM_001409304.1); c.5710+2T>G (NM_001409305.1); c.5701+2T>G (NM_001409306.1, NM_001409307.1); c.5590+2T>G (NM_001409308.1, NM_172349.5, NM_001365684.2); c.5341+2T>G (NM_001409309.1).
Identifiers: ClinVar variation 4891413 (VCV004891413.1).